The following is an entry in ClinVar:

NM_002755.4(MAP2K1):c.960+1G>T

Gene: MAP2K1 (mitogen-activated protein kinase kinase 1; plus strand). Cytogenetic location: 15q22.31.
Variant type: single nucleotide variant.
Coding change: c.960+1G>T on transcript NM_002755.4 (MANE Select); the canonical splice donor site of the intron after coding-DNA position 960, G replaced by T.
Molecular consequence: splice donor variant.
Genome position (GRCh38, 1-based): chr15:66,487,293, G>T. VCF-style: chr15-66487293-G-T. GRCh37 (hg19) VCF-style: chr15-66779631-G-T.
Other names: c.816+1G>T (NM_001411065.1).
Identifiers: ClinVar variation 2882054 (VCV002882054.3), dbSNP rs1893065392, ClinGen allele CA392937611.

ClinVar aggregate classification (germline): Uncertain significance (1 of 4 stars; one submission).

Conditions:
RASopathy. Also called: Noonan spectrum disorder; rasopathies. Identifiers: Orphanet 536391, MedGen C5555857, MONDO:0021060.

Submission:

Labcorp Genetics (formerly Invitae), Labcorp
Classification: Uncertain significance for RASopathy. Last evaluated: 2023-02-22. Review status: criteria provided, single submitter. Criteria: Invitae Variant Classification Sherloc (09022015). Collection method: clinical testing. Allele origin: germline.
Comment: In summary, the available evidence is currently insufficient to determine the role of this variant in disease. Therefore, it has been classified as a Variant of Uncertain Significance. Algorithms developed to predict the effect of sequence changes on RNA splicing suggest that this variant may disrupt the consensus splice site. This variant has not been reported in the literature in individuals affected with MAP2K1-related conditions. This variant is not present in population databases (gnomAD no frequency). This sequence change affects a donor splice site in intron 8 of the MAP2K1 gene. It is expected to disrupt RNA splicing. Variants that disrupt the donor or acceptor splice site typically lead to a loss of protein function (PMID: 16199547), however the current clinical and genetic evidence is not sufficient to establish whether loss-of-function variants in MAP2K1 cause disease.

Literature cited by the submitters: PubMed 16199547.